The following is an entry in ClinVar:

ClinVar aggregate classification (germline): Uncertain significance (1 of 4 stars; one submission).

Conditions:
Autoimmune lymphoproliferative syndrome, type III caused by mutation in PRKCD. Identifiers: Orphanet 3261, Orphanet 664711, MedGen C3809928, MONDO:8000024, OMIM 615559.

Allele frequency attached by ClinVar (database versions not stated): gnomAD 0.00001; gnomAD exomes 0.00004 and 0.00003; TOPMed 0.00002; ExAC 0.00002.
gnomAD v4.1: 65 of 1,614,060 alleles (0.004%); highest among the groups gnomAD compares: Non-Finnish European, 0.0047%; no homozygotes.

Submission:

Labcorp Genetics (formerly Invitae), Labcorp
Classification: Uncertain significance for Autoimmune lymphoproliferative syndrome, type III caused by mutation in PRKCD. Last evaluated: 2022-08-10. Review status: criteria provided, single submitter. Criteria: Invitae Variant Classification Sherloc (09022015). Collection method: clinical testing. Allele origin: germline.
Comment: This sequence change replaces alanine, which is neutral and non-polar, with threonine, which is neutral and polar, at codon 194 of the PRKCD protein (p.Ala194Thr). This variant is present in population databases (rs782475090, gnomAD 0.005%). This variant has not been reported in the literature in individuals affected with PRKCD-related conditions. ClinVar contains an entry for this variant (Variation ID: 643195). Algorithms developed to predict the effect of missense changes on protein structure and function (SIFT, PolyPhen-2, Align-GVGD) all suggest that this variant is likely to be disruptive. In summary, the available evidence is currently insufficient to determine the role of this variant in disease. Therefore, it has been classified as a Variant of Uncertain Significance.

NM_006254.4(PRKCD):c.580G>A (p.Ala194Thr)

Gene: PRKCD (protein kinase C delta; plus strand). Cytogenetic location: 3p21.1.
Variant type: single nucleotide variant.
Coding change: c.580G>A on transcript NM_006254.4 (MANE Select); coding-DNA position 580, G replaced by A.
Protein change: p.Ala194Thr; replaces alanine 194 with threonine.
Molecular consequence: missense variant.
Genome position (GRCh38, 1-based): chr3:53,183,129, G>A. VCF-style: chr3-53183129-G-A. GRCh37 (hg19) VCF-style: chr3-53217145-G-A.
Other names: c.580G>A, p.Ala194Thr (LRG_1327t1, NM_001316327.2, NM_001354679.2 and 2 more transcripts); c.637G>A, p.Ala213Thr (NM_001354676.2); c.628G>A, p.Ala210Thr (NM_001354678.2); short protein forms A194T, A210T, A213T.
Identifiers: ClinVar variation 643195 (VCV000643195.3), dbSNP rs782475090, ClinGen allele CA2451893.